The following is an entry in ClinVar:

NM_002972.4(SBF1):c.4882G>A (p.Glu1628Lys)

Gene: SBF1 (SET binding factor 1; minus strand). Cytogenetic location: 22q13.33.
Variant type: single nucleotide variant.
Coding change: c.4882G>A on transcript NM_002972.4 (MANE Select); coding-DNA position 4882, G replaced by A.
Protein change: p.Glu1628Lys; replaces glutamic acid 1628 with lysine.
Molecular consequence: missense variant.
Genome position (GRCh38, 1-based): chr22:50,454,673, C>T on the plus strand (G>A on the coding strand, the complement: SBF1 is on the minus strand). VCF-style: chr22-50454673-C-T. GRCh37 (hg19) VCF-style: chr22-50893102-C-T.
Other names: c.4807G>A, p.Glu1603Lys (NM_001365819.1); short protein forms E1603K, E1628K.
Identifiers: ClinVar variation 1297478 (VCV001297478.6), dbSNP rs377302977, ClinGen allele CA10316083.
Genomic context (GRCh38, chr22:50,454,673, plus strand): 5'-GTTCTTCCTCTGGGGGTTCAGGGGGCCCCTGGGCCAGTTCCCAGTCATAGGGAGGGCCCT[C>T]GGCCAGCGTCTCCTCAGTGTAGAAGTCCCACACCTTCAGGTTGGACACGTTGCTGTAGGG-3'
Protein context (NP_002963.2, residues 1618-1638): WDFYTEETLA[Glu1628Lys]GPPYDWELAQ

ClinVar aggregate classification (germline): Uncertain significance. Review status: criteria provided, multiple submitters, no conflicts (2 of 4 stars). 2 submissions from 2 submitters: Uncertain significance (2). Last evaluated 2021-08-12.

Conditions:
Charcot-Marie-Tooth disease type 4B3. Also called: Charcot-Marie-Tooth Neuropathy Type 4B3; CHARCOT-MARIE-TOOTH DISEASE, DEMYELINATING, TYPE 4B3. Identifiers: Orphanet 363981, MedGen C3695063, MONDO:0014117, OMIM 615284.

Allele frequency attached by ClinVar (database versions not stated): gnomAD exomes 0.00001; gnomAD 0.00002; TOPMed 0.00002; ExAC 0.00004; ESP Exome Variant Server 0.00008.

Submissions (2):

Labcorp Genetics (formerly Invitae), Labcorp
Classification: Uncertain significance. Last evaluated: 2021-08-12. Review status: criteria provided, single submitter. Criteria: Invitae Variant Classification Sherloc (09022015). Collection method: clinical testing. Allele origin: germline.
Comment: This sequence change replaces glutamic acid with lysine at codon 1628 of the SBF1 protein (p.Glu1628Lys). The glutamic acid residue is moderately conserved and there is a small physicochemical difference between glutamic acid and lysine. This variant is present in population databases (rs377302977, ExAC 0.02%). In summary, the available evidence is currently insufficient to determine the role of this variant in disease. Therefore, it has been classified as a Variant of Uncertain Significance. Algorithms developed to predict the effect of missense changes on protein structure and function (SIFT, PolyPhen-2, Align-GVGD) all suggest that this variant is likely to be tolerated. This variant has not been reported in the literature in individuals affected with SBF1-related conditions.

Breda Genetics srl
Classification: Uncertain significance for Charcot-Marie-Tooth disease type 4B3. Last evaluated: 2021-04-30. Review status: criteria provided, single submitter. Criteria: ACMG Guidelines, 2015. Collection method: clinical testing. Allele origin: germline. Inheritance: Autosomal recessive inheritance. Affected: yes. Observed: 1 variant allele, 1 heterozygote.
Comment: Based on allele frequency, in-silico prediction scores and a certain overlap with the clinical phenotype, we interpreted this variant at least as of uncertain significance. The lack of one or more of the following features has discouraged further investigations: lack of a possible second hit in autosomal recessive conditions, presence of healthy controls in databases for autosomal dominant conditions, presence of unmatching cardinal clinical features in the patient or in the known gene-disease association, and/or variant type outside the known gene mutational spectrum.